The following is an entry in ClinVar:

NM_000168.6(GLI3):c.752A>G (p.Tyr251Cys)

Gene: GLI3 (GLI family zinc finger 3; minus strand). Cytogenetic location: 7p14.1.
Variant type: single nucleotide variant.
Coding change: c.752A>G on transcript NM_000168.6 (MANE Select); coding-DNA position 752, A replaced by G.
Protein change: p.Tyr251Cys; replaces tyrosine 251 with cysteine.
Molecular consequence: missense variant.
Genome position (GRCh38, 1-based): chr7:42,045,458, T>C on the plus strand (A>G on the coding strand, the complement: GLI3 is on the minus strand). VCF-style: chr7-42045458-T-C. GRCh37 (hg19) VCF-style: chr7-42085057-T-C.
Other names: short protein forms Y251C.
Identifiers: ClinVar variation 4795839 (VCV004795839.1).
Genomic context (GRCh38, chr7:42,045,458, plus strand): 5'-AGATATTCCATGTGGATGGCCCCCGTGCCGGCGGTGGCAGCTGAGGGAATAATGTCTGCA[T>C]AGGGGCTGCGCTGGCCAGTTAGCAGGGCCATCTGATGATAGTATTCTGCTGGGCTGACTC-3'
Protein context (NP_000159.3, residues 241-261): MALLTGQRSP[Tyr251Cys]ADIIPSAATA

ClinVar aggregate classification (germline): Likely benign (1 of 4 stars; one submission).

Conditions:
Pallister-Hall syndrome (PHS). Also called: GLI3-Related Pallister-Hall Syndrome; HYPOTHALAMIC HAMARTOBLASTOMA, HYPOPITUITARISM, IMPERFORATE ANUS, AND POSTAXIAL POLYDACTYLY. Identifiers: Orphanet 672, MedGen C0265220, MONDO:0007804, OMIM 146510.

Submission:

Centre for Medical Genetics,  Mumbai
Classification: Likely benign for Pallister-Hall syndrome. Last evaluated: 2026-02-16. Review status: criteria provided, single submitter. Criteria: ACMG Guidelines, 2015. Collection method: provider interpretation. Allele origin: germline. Inheritance: Autosomal dominant inheritance. Affected: no. Observed: 1 heterozygote.
Comment: The variant satisfies PM2 criteria; Extremely low frequency in gnomAD population databases. The variant satisfies PP3 criteria; For a missense or a splicing region variant, computational prediction tools unanimously support a deleterious effect on the gene. However, the variant satisfies BS2 criteria.

Literature cited by the submitters: PubMed 9054938.